The following is an entry in ClinVar:

NM_005901.6(SMAD2):c.1402T>C (p.Ter468Gln)

Gene: SMAD2 (SMAD family member 2; minus strand). Cytogenetic location: 18q21.1.
Variant type: single nucleotide variant.
Coding change: c.1402T>C on transcript NM_005901.6 (MANE Select); coding-DNA position 1402, T replaced by C.
Protein change: p.Ter468Gln.
Molecular consequence: stop lost.
Genome position (GRCh38, 1-based): chr18:47,841,829, A>G on the plus strand (T>C on the coding strand, the complement: SMAD2 is on the minus strand). VCF-style: chr18-47841829-A-G. GRCh37 (hg19) VCF-style: chr18-45368200-A-G.
Other names: c.1402T>C, p.Ter468Gln (NM_001003652.4); c.1312T>C, p.Ter438Gln (NM_001135937.3).
Identifiers: ClinVar variation 5017352 (VCV005017352.1).

ClinVar aggregate classification (germline): Uncertain significance (1 of 4 stars; one submission).

Submission:

GeneDx
Classification: Uncertain significance. Last evaluated: 2026-03-27. Review status: criteria provided, single submitter. Criteria: GeneDx Variant Classification Process June 2021. Collection method: clinical testing. Allele origin: germline.
Comment: Not observed at significant frequency in large population cohorts (gnomAD); Stop codon loss and change to a glutamine codon, leading to protein extension and the addition of 8 amino acid(s) at the C-terminus; Has not been previously published as pathogenic or benign to our knowledge